The following is an entry in ClinVar:

ClinVar aggregate classification (germline): Uncertain significance (1 of 4 stars; one submission).

Conditions:
Developmental and epileptic encephalopathy, 9 (DEE9). Also called: JUBERG-HELLMAN SYNDROME; PCDH19-Related X-Linked Female-Limited Epilepsy with Mental Retardation; Early infantile epileptic encephalopathy 9; EPILEPSY, FEMALE-RESTRICTED, WITH MENTAL RETARDATION. Identifiers: Orphanet 101039, Orphanet 2076, MedGen C1848137, MONDO:0010246, OMIM 300088. Disease mechanism: loss of function.

Submission:

Labcorp Genetics (formerly Invitae), Labcorp
Classification: Uncertain significance for Developmental and epileptic encephalopathy, 9. Last evaluated: 2017-10-31. Review status: criteria provided, single submitter. Criteria: Invitae Variant Classification Sherloc (09022015). Collection method: clinical testing. Allele origin: germline.
Comment: In summary, the available evidence is currently insufficient to determine the role of this variant in disease. Therefore, it has been classified as a Variant of Uncertain Significance. Algorithms developed to predict the effect of missense changes on protein structure and function (SIFT, PolyPhen-2, Align-GVGD) all suggest that this variant is likely to be disruptive, but these predictions have not been confirmed by published functional studies and their clinical significance is uncertain. This variant has not been reported in the literature in individuals with PCDH19-related disease. This variant is not present in population databases (ExAC no frequency). This sequence change replaces serine with alanine at codon 231 of the PCDH19 protein (p.Ser231Ala). The serine residue is highly conserved and there is a moderate physicochemical difference between serine and alanine.

NM_001184880.2(PCDH19):c.691T>G (p.Ser231Ala)

Gene: PCDH19 (protocadherin 19; minus strand). Cytogenetic location: Xq22.1.
Variant type: single nucleotide variant.
Coding change: c.691T>G on transcript NM_001184880.2 (MANE Select); coding-DNA position 691, T replaced by G.
Protein change: p.Ser231Ala; replaces serine 231 with alanine.
Molecular consequence: missense variant.
Genome position (GRCh38, 1-based): chrX:100,407,907, A>C on the plus strand (T>G on the coding strand, the complement: PCDH19 is on the minus strand). VCF-style: chrX-100407907-A-C. GRCh37 (hg19) VCF-style: chrX-99662905-A-C.
Other names: c.691T>G, p.Ser231Ala (NM_001105243.2, NM_020766.3); short protein forms S231A.
Identifiers: ClinVar variation 533845 (VCV000533845.9), dbSNP rs1555985491, ClinGen allele CA414008638.